The following is an entry in ClinVar:

ClinVar aggregate classification (germline): Conflicting classifications of pathogenicity. Review status: criteria provided, conflicting classifications (1 of 4 stars). 5 submissions from 5 submitters: Uncertain significance (3); Benign (1). 1 of the submissions does not count toward it. Last evaluated 2026-04-07.

Conditions:
CHD7-related disorder. Also called: CHD7-related condition.
CHARGE syndrome (CHARGE). Also called: Hittner Hirsch Kreh syndrome; Coloboma, heart anomaly, choanal atresia, retardation, genital and ear anomalies; CHARGE association; Hall-Hittner syndrome; CHARGE ASSOCIATION--COLOBOMA, HEART ANOMALY, CHOANAL ATRESIA, RETARDATION, GENITAL AND EAR ANOMALIES. Identifiers: Orphanet 138, MedGen C0265354, MONDO:0008965.
Intellectual disability. Also called: Intellectual developmental disorder; Intellectual functioning disability; intellectual disabilities. Identifiers: MedGen C3714756, MeSH D008607, MONDO:0001071, HP:0001249.
Hypogonadotropic hypogonadism 5 with or without anosmia (KAL5). Also called: HYPOGONADOTROPIC HYPOGONADISM 5 WITH ANOSMIA; HYPOGONADOTROPHIC HYPOGONADISM 5 WITHOUT ANOSMIA; CHD7-Related GnRH Deficiency (Kallmann Syndrome 5). Identifiers: Orphanet 478, MedGen C3552553, MONDO:0012880, OMIM 612370. Disease mechanism: loss of function.

Allele frequency attached by ClinVar (database versions not stated): gnomAD 0.00003 and 0.00004; gnomAD exomes 0.00004 and 0.00007; TOPMed 0.00004; ExAC 0.00006.
gnomAD v4.1: 108 of 1,613,410 alleles (0.0067%); highest among the groups gnomAD compares: Non-Finnish European, 0.0086%; no homozygotes.

Submissions (5):

PreventionGenetics, part of Exact Sciences
Classification: Uncertain significance for CHD7-related condition. Last evaluated: 2026-04-07. Review status: criteria provided, single submitter. Criteria: ACMG Guidelines, 2015. Collection method: clinical testing. Allele origin: germline.
Comment: The CHD7 c.5858C>T variant is predicted to result in the amino acid substitution p.Ala1953Val. This variant was reported in an individual with Kallmann syndrome (Table S1 Costa-Barbosa et al. 2013. PubMed ID: 23533228). This variant is reported in 0.012% of alleles in individuals of African descent in gnomAD, which may be higher than expected for variant causative in autosomal dominant disorder. At this time, the clinical significance of this variant is uncertain due to the absence of conclusive functional and genetic evidence.

Labcorp Genetics (formerly Invitae), Labcorp
Classification: Benign for CHARGE syndrome. Last evaluated: 2025-12-22. Review status: criteria provided, single submitter. Criteria: Invitae Variant Classification Sherloc (09022015). Collection method: clinical testing. Allele origin: germline.

Fulgent Genetics
Classification: Uncertain significance for CHD7-related CHARGE syndrome; Hypogonadotropic hypogonadism 5 with or without anosmia. Last evaluated: 2022-05-14. Review status: criteria provided, single submitter. Criteria: ACMG Guidelines, 2015. Collection method: clinical testing. Allele origin: unknown.

Blueprint Genetics
Classification: Uncertain significance. Last evaluated: 2020-01-15. Review status: criteria provided, single submitter. Criteria: ACMG Guidelines, 2015. Collection method: clinical testing. Allele origin: germline.

Centre de Biologie Pathologie Génétique, Centre Hospitalier Universitaire de Lille
Classification: Likely benign for Intellectual disability. Last evaluated: 2019-01-01. Review status: no assertion criteria provided. Collection method: clinical testing. Allele origin: inherited. Affected: yes. Not counted in ClinVar's aggregate classification.

NM_017780.4(CHD7):c.5858C>T (p.Ala1953Val)

Gene: CHD7 (chromodomain helicase DNA binding protein 7; plus strand). Cytogenetic location: 8q12.2.
Variant type: single nucleotide variant.
Coding change: c.5858C>T on transcript NM_017780.4 (MANE Select); coding-DNA position 5858, C replaced by T.
Protein change: p.Ala1953Val; replaces alanine 1953 with valine.
Molecular consequence: missense variant. On other transcripts: intron variant (1).
Genome position (GRCh38, 1-based): chr8:60,852,211, C>T. VCF-style: chr8-60852211-C-T. GRCh37 (hg19) VCF-style: chr8-61764770-C-T.
Other names: c.1717-10018C>T (NM_001316690.1); short protein forms A1953V.
Identifiers: ClinVar variation 975196 (VCV000975196.10), dbSNP rs748578338, ClinGen allele CA4760476.